The following is an entry in ClinVar:

ClinVar aggregate classification (germline): Benign (0 of 4 stars; one submission).

Conditions:
TASP1-related disorder. Also called: TASP1-related condition.

Submission:

PreventionGenetics, part of Exact Sciences
Classification: Benign for TASP1-related condition. Last evaluated: 2020-01-14. Review status: no assertion criteria provided. Collection method: clinical testing. Allele origin: germline.
Comment: This variant is classified as benign based on ACMG/AMP sequence variant interpretation guidelines (Richards et al. 2015 PMID: 25741868, with internal and published modifications).

NM_017714.3(TASP1):c.404-5dup

Gene: TASP1 (taspase 1; minus strand). Cytogenetic location: 20p12.1.
Variant type: Duplication.
Coding change: c.404-5dup on transcript NM_017714.3 (MANE Select); 5 bases into the intron before coding-DNA position 404, one base duplicated (T; older notation c.404-5dupT).
Molecular consequence: intron variant.
Genome position (GRCh38, 1-based): chr20:13,580,986, A duplicated on the plus strand (T on the coding strand, the reverse complement: TASP1 is on the minus strand); the first of 16 consecutive A bases (chr20:13,580,986-13,581,001); duplicating any one gives the same sequence. VCF-style (leftmost placement, unchanged base first): chr20-13580985-T-TA. GRCh37 (hg19) VCF-style: chr20-13561632-T-TA.
Other names: c.282+42460dup (NM_001323602.2); c.98-5dup (NM_001323604.2, NM_001323603.2).
Identifiers: ClinVar variation 3059573 (VCV003059573.2), dbSNP rs71334133, ClinGen allele CA9766730.